The following is an entry in ClinVar:

NM_000540.3(RYR1):c.6605G>A (p.Gly2202Asp)

Gene: RYR1 (ryanodine receptor 1; plus strand). Cytogenetic location: 19q13.2.
Variant type: single nucleotide variant.
Coding change: c.6605G>A on transcript NM_000540.3 (MANE Select); coding-DNA position 6605, G replaced by A.
Protein change: p.Gly2202Asp; replaces glycine 2202 with aspartic acid.
Molecular consequence: missense variant.
Genome position (GRCh38, 1-based): chr19:38,496,271, G>A. VCF-style: chr19-38496271-G-A. GRCh37 (hg19) VCF-style: chr19-38986911-G-A.
Other names: c.6605G>A, p.Gly2202Asp (NM_001042723.2); short protein forms G2202D.
Identifiers: ClinVar variation 3631385 (VCV003631385.2).

ClinVar aggregate classification (germline): Uncertain significance (1 of 4 stars; one submission).

Conditions:
RYR1-related disorder. Also called: RYR1-related condition; RYR1-related disorders. Identifiers: MedGen CN239331.

Submission:

Labcorp Genetics (formerly Invitae), Labcorp
Classification: Uncertain significance for RYR1-related disorder. Last evaluated: 2024-03-19. Review status: criteria provided, single submitter. Criteria: Invitae Variant Classification Sherloc (09022015). Collection method: clinical testing. Allele origin: germline.
Comment: This sequence change replaces glycine, which is neutral and non-polar, with aspartic acid, which is acidic and polar, at codon 2202 of the RYR1 protein (p.Gly2202Asp). This variant is not present in population databases (gnomAD no frequency). This variant has not been reported in the literature in individuals affected with RYR1-related conditions. Advanced modeling of protein sequence and biophysical properties (such as structural, functional, and spatial information, amino acid conservation, physicochemical variation, residue mobility, and thermodynamic stability) has been performed at Invitae for this missense variant, however the output from this modeling did not meet the statistical confidence thresholds required to predict the impact of this variant on RYR1 protein function. In summary, the available evidence is currently insufficient to determine the role of this variant in disease. Therefore, it has been classified as a Variant of Uncertain Significance.